The following is an entry in ClinVar:

ClinVar aggregate classification (germline): Conflicting classifications of pathogenicity. Review status: criteria provided, conflicting classifications (1 of 4 stars). 5 submissions from 5 submitters: Likely pathogenic (3); Uncertain significance (2). Last evaluated 2026-08-28.

Conditions:
Dystonia 12 (DYT12). Also called: DYT-ATP1A3; Rapid-Onset Dystonia-Parkinsonism (RDP). Identifiers: Orphanet 71517, MedGen C1868681, MONDO:0007496, OMIM 128235.
Inborn genetic diseases. Identifiers: MedGen C0950123, MeSH D030342.
Epilepsy. Also called: Seizure disorder. Identifiers: MedGen C0014544, MeSH D004827, MONDO:0005027.

Submissions (5):

Ambry Genetics
Classification: Uncertain significance for Inborn genetic diseases. Last evaluated: 2026-08-28. Review status: criteria provided, single submitter. Criteria: Ambry Variant Classification Scheme 2023. Collection method: clinical testing. Allele origin: germline.
Comment: The c.1825G>A (p.D609N) alteration is located in exon 14 (coding exon 14) of the ATP1A3 gene. This alteration results from a G to A substitution at nucleotide position 1825, causing the aspartic acid (D) at amino acid position 609 to be replaced by an asparagine (N). This variant was not reported in population-based cohorts in the Genome Aggregation Database (gnomAD). This variant was reported in individual(s) with features consistent with ATP1A3-related neurologic disorders (Wu, 2022; Wu, 2023). This amino acid position is highly conserved in available vertebrate species. This alteration is predicted to be deleterious by in silico analysis. Based on insufficient or conflicting evidence, the clinical significance of this alteration remains unclear.

Cytogénomique, Hospices Civils de Lyon
Classification: Likely pathogenic for Epilepsy. Last evaluated: 2025-12-15. Review status: criteria provided, single submitter. Criteria: ACMG Guidelines, 2015. Collection method: clinical testing. Allele origin: germline. Affected: yes.

Labcorp Genetics (formerly Invitae), Labcorp
Classification: Likely pathogenic for Dystonia 12. Last evaluated: 2025-05-16. Review status: criteria provided, single submitter. Criteria: Invitae Variant Classification Sherloc (09022015). Collection method: clinical testing. Allele origin: germline.
Comment: This sequence change replaces aspartic acid, which is acidic and polar, with asparagine, which is neutral and polar, at codon 609 of the ATP1A3 protein (p.Asp609Asn). This variant is not present in population databases (gnomAD no frequency). This missense change has been observed in individual(s) with clinical features of ATP1A3-related conditions (PMID: 35041927). ClinVar contains an entry for this variant (Variation ID: 1021624). Invitae Evidence Modeling of protein sequence and biophysical properties (such as structural, functional, and spatial information, amino acid conservation, physicochemical variation, residue mobility, and thermodynamic stability) indicates that this missense variant is expected to disrupt ATP1A3 protein function with a positive predictive value of 95%. This variant disrupts the p.Asp609 amino acid residue in ATP1A3. Other variant(s) that disrupt this residue have been determined to be pathogenic (PMID: 29861155, 33880529). This suggests that this residue is clinically significant, and that variants that disrupt this residue are likely to be disease-causing. In summary, the currently available evidence indicates that the variant is pathogenic, but additional data are needed to prove that conclusively. Therefore, this variant has been classified as Likely Pathogenic.

GeneDx
Classification: Likely pathogenic. Last evaluated: 2024-09-12. Review status: criteria provided, single submitter. Criteria: GeneDx Variant Classification Process June 2021. Collection method: clinical testing. Allele origin: germline. Affected: yes.
Comment: Not observed at significant frequency in large population cohorts (gnomAD); In silico analysis supports that this missense variant has a deleterious effect on protein structure/function; This variant is associated with the following publications: (PMID: 37422850, 35041927, 36672771, 29861155, 33880529)

AiLife Diagnostics
Classification: Uncertain significance. Last evaluated: 2022-02-26. Review status: criteria provided, single submitter. Criteria: ACMG Guidelines, 2015. Collection method: clinical testing. Allele origin: germline. Affected: yes. Observed: 1 variant allele.

Literature cited by the submitters: PubMed 35041927 (cited by Ambry Genetics and Labcorp Genetics (formerly Invitae), Labcorp); PubMed 37422850 (cited by Ambry Genetics); PubMed 29861155 (cited by Labcorp Genetics (formerly Invitae), Labcorp); PubMed 33880529 (cited by Labcorp Genetics (formerly Invitae), Labcorp).

NM_152296.5(ATP1A3):c.1825G>A (p.Asp609Asn)

Gene: ATP1A3 (ATPase Na+/K+ transporting subunit alpha 3; minus strand). Cytogenetic location: 19q13.2.
Variant type: single nucleotide variant.
Coding change: c.1825G>A on transcript NM_152296.5 (MANE Select); coding-DNA position 1825, G replaced by A.
Protein change: p.Asp609Asn; replaces aspartic acid 609 with asparagine.
Molecular consequence: missense variant.
Genome position (GRCh38, 1-based): chr19:41,978,054, C>T on the plus strand (G>A on the coding strand, the complement: ATP1A3 is on the minus strand). VCF-style: chr19-41978054-C-T. GRCh37 (hg19) VCF-style: chr19-42482206-C-T.
Other names: c.1825G>A (NM_152296.3, NM_152296.4); c.1864G>A, p.Asp622Asn (NM_001256214.2); c.1858G>A, p.Asp620Asn (NM_001256213.2); short protein forms D609N, D620N, D622N.
Identifiers: ClinVar variation 1021624 (VCV001021624.13), dbSNP rs2075190697, ClinGen allele CA406045252.
Genomic context (GRCh38, chr19:41,978,054, plus strand): 5'-CGTTGCCCTCAGAGATGATGCCCACACCCTTGGCAATGGCCTTGGCCGTGATGGGGTGAT[C>T]GCCGGTGACCATGATGACCTGCAGGCATTGTTTTTTAGGGATGGCCTCTCCCGCCCCACG-3'
Protein context (NP_689509.1, residues 599-619): AGIKVIMVTG[Asp609Asn]HPITAKAIAK